The following is an entry in ClinVar:

ClinVar aggregate classification (germline): Likely benign. Review status: criteria provided, multiple submitters, no conflicts (2 of 4 stars). 5 submissions from 5 submitters: Likely benign (3). 2 of the submissions do not count toward it. Last evaluated 2026-01-12.

Conditions:
GPR179-related disorder. Also called: GPR179-related condition.
Congenital stationary night blindness 1E. Also called: Night blindness, congenital stationary (complete), 1E, autosomal recessive. Identifiers: Orphanet 215, MedGen C3281215, MONDO:0013807, OMIM 614565.

Allele frequency attached by ClinVar (database versions not stated): gnomAD exomes 0.00037; gnomAD 0.00038; ExAC 0.00041; ESP Exome Variant Server 0.00056; TOPMed 0.00071; 1000 Genomes Project 30x 0.00094; 1000 Genomes Project 0.00100.
gnomAD v4.1: 1,175 of 1,609,660 alleles (0.073%); highest among the groups gnomAD compares: Non-Finnish European, 0.092%; 1 homozygote.

Submissions (5):

Labcorp Genetics (formerly Invitae), Labcorp
Classification: Likely benign. Last evaluated: 2026-01-12. Review status: criteria provided, single submitter. Criteria: Invitae Variant Classification Sherloc (09022015). Collection method: clinical testing. Allele origin: germline.

Blueprint Genetics
Classification: Likely benign. Last evaluated: 2024-09-13. Review status: criteria provided, single submitter. Criteria: ACMG Guidelines, 2015. Collection method: clinical testing. Allele origin: germline.

Clinical Genetics DNA and cytogenetics Diagnostics Lab, Erasmus MC, Erasmus Medical Center
Classification: Likely benign for Congenital stationary night blindness 1E. Last evaluated: 2016-02-18. Review status: criteria provided, single submitter. Criteria: ACGS Guidelines, 2013. Collection method: clinical testing. Allele origin: germline. Affected: yes. Study: VKGL Data-share Consensus.

PreventionGenetics, part of Exact Sciences
Classification: Likely benign for GPR179-related condition. Last evaluated: 2024-02-26. Review status: no assertion criteria provided. Collection method: clinical testing. Allele origin: germline. Not counted in ClinVar's aggregate classification.
Comment: This variant is classified as likely benign based on ACMG/AMP sequence variant interpretation guidelines (Richards et al. 2015 PMID: 25741868, with internal and published modifications).

Clinical Genetics, Academic Medical Center
Classification: Benign. Review status: no assertion criteria provided. Collection method: clinical testing. Allele origin: germline. Affected: yes. Study: VKGL Data-share Consensus. Not counted in ClinVar's aggregate classification.

NM_001004334.4(GPR179):c.795-4G>A

Gene: GPR179 (G protein-coupled receptor 179; minus strand). Cytogenetic location: 17q12.
Variant type: single nucleotide variant.
Coding change: c.795-4G>A on transcript NM_001004334.4 (MANE Select); 4 bases into the intron before coding-DNA position 795, G replaced by A.
Molecular consequence: intron variant.
Genome position (GRCh38, 1-based): chr17:38,339,529, C>T on the plus strand (G>A on the coding strand, the complement: GPR179 is on the minus strand). VCF-style: chr17-38339529-C-T. GRCh37 (hg19) VCF-style: chr17-36495412-C-T.
Identifiers: ClinVar variation 522294 (VCV000522294.15), dbSNP rs150772690, ClinGen allele CA290110190.